The following is an entry in ClinVar:

NM_004360.5(CDH1):c.631A>T (p.Thr211Ser)

Gene: CDH1 (cadherin 1; plus strand). Cytogenetic location: 16q22.1.
Variant type: single nucleotide variant.
Coding change: c.631A>T on transcript NM_004360.5 (MANE Select); coding-DNA position 631, A replaced by T.
Protein change: p.Thr211Ser; replaces threonine 211 with serine.
Molecular consequence: missense variant. On other transcripts: 5 prime UTR variant (2).
Genome position (GRCh38, 1-based): chr16:68,808,792, A>T. VCF-style: chr16-68808792-A-T. GRCh37 (hg19) VCF-style: chr16-68842695-A-T.
Other names: c.631A>T (LRG_301t1); c.631A>T, p.Thr211Ser (NM_001317184.2); c.-985A>T (NM_001317185.2); c.-1189A>T (NM_001317186.2); short protein forms T211S.
Identifiers: ClinVar variation 141463 (VCV000141463.25), dbSNP rs587781766, ClinGen allele CA165493.

ClinVar aggregate classification (germline): Conflicting classifications of pathogenicity. Review status: criteria provided, conflicting classifications (1 of 4 stars). 4 submissions from 4 submitters: Uncertain significance (3); Likely benign (1). Last evaluated 2025-08-20.

Conditions:
Hereditary cancer-predisposing syndrome. Also called: Neoplastic Syndromes, Hereditary; Hereditary Cancer Syndrome; Hereditary neoplastic syndrome; Tumor predisposition. Identifiers: Orphanet 140162, MedGen C0027672, MeSH D009386, MONDO:0015356.
Hereditary diffuse gastric adenocarcinoma (HDGC). Also called: DIFFUSE GASTRIC AND LOBULAR BREAST CANCER SYNDROME. Identifiers: Orphanet 26106, MedGen C1708349, MONDO:0007648, OMIM 137215.

Submissions (4):

Ambry Genetics
Classification: Likely benign for Hereditary cancer-predisposing syndrome. Last evaluated: 2025-08-20. Review status: criteria provided, single submitter. Criteria: Ambry Variant Classification Scheme 2023. Collection method: clinical testing. Allele origin: germline.

Labcorp Genetics (formerly Invitae), Labcorp
Classification: Uncertain significance for Hereditary diffuse gastric adenocarcinoma. Last evaluated: 2025-08-13. Review status: criteria provided, single submitter. Criteria: Invitae Variant Classification Sherloc (09022015). Collection method: clinical testing. Allele origin: germline.
Comment: This sequence change replaces threonine, which is neutral and polar, with serine, which is neutral and polar, at codon 211 of the CDH1 protein (p.Thr211Ser). This variant is not present in population databases (gnomAD no frequency). This variant has not been reported in the literature in individuals affected with CDH1-related conditions. ClinVar contains an entry for this variant (Variation ID: 141463). An algorithm developed to predict the effect of missense changes on protein structure and function outputs the following: PolyPhen-2: "Benign". The serine amino acid residue is found in multiple mammalian species, which suggests that this missense change does not adversely affect protein function. In summary, the available evidence is currently insufficient to determine the role of this variant in disease. Therefore, it has been classified as a Variant of Uncertain Significance.

GeneDx
Classification: Uncertain significance. Last evaluated: 2023-07-11. Review status: criteria provided, single submitter. Criteria: GeneDx Variant Classification Process June 2021. Collection method: clinical testing. Allele origin: germline. Affected: yes.
Comment: Not observed at significant frequency in large population cohorts (gnomAD); In silico analysis supports that this missense variant does not alter protein structure/function; Has not been previously published as pathogenic or benign to our knowledge; This variant is associated with the following publications: (PMID: 22850631, 15235021)

Color Diagnostics, LLC DBA Color Health
Classification: Uncertain significance for Hereditary cancer-predisposing syndrome. Last evaluated: 2023-06-14. Review status: criteria provided, single submitter. Criteria: ACMG Guidelines, 2015. Collection method: clinical testing. Allele origin: germline.
Comment: This missense variant replaces threonine with serine at codon 211 of the CDH1 protein. To our knowledge, functional studies have not been reported for this variant. This variant has not been reported in individuals affected with hereditary cancer in the literature. This variant has not been identified in the general population by the Genome Aggregation Database (gnomAD). The available evidence is insufficient to determine the role of this variant in disease conclusively. Therefore, this variant is classified as a Variant of Uncertain Significance.